The following is an entry in ClinVar:

NM_000090.4(COL3A1):c.4015A>G (p.Ser1339Gly)

Gene: COL3A1 (collagen type III alpha 1 chain; plus strand). Cytogenetic location: 2q32.2.
Variant type: single nucleotide variant.
Coding change: c.4015A>G on transcript NM_000090.4 (MANE Select); coding-DNA position 4015, A replaced by G.
Protein change: p.Ser1339Gly; replaces serine 1339 with glycine.
Molecular consequence: missense variant.
Genome position (GRCh38, 1-based): chr2:189,010,651, A>G. VCF-style: chr2-189010651-A-G. GRCh37 (hg19) VCF-style: chr2-189875377-A-G.
Other names: short protein forms S1339G.
Identifiers: ClinVar variation 2971736 (VCV002971736.4), dbSNP rs369796561, ClinGen allele CA076414.

ClinVar aggregate classification (germline): Conflicting classifications of pathogenicity. Review status: criteria provided, conflicting classifications (1 of 4 stars). 2 submissions from 2 submitters: Uncertain significance (1); Likely benign (1). Last evaluated 2024-07-10.

Conditions:
Ehlers-Danlos syndrome, type 4 (EDSVASC). Also called: Ehlers-Danlos syndrome vascular type; Ehlers Danlos syndrome, ecchymotic type; Ehlers Danlos syndrome, arterial type; Ehlers Danlos syndrome, Sack-Barabas type; Ehlers-Danlos Syndrome Type IV. Identifiers: Orphanet 286, MedGen C0268338, MONDO:0017314, OMIM 130050.

Allele frequency attached by ClinVar (database versions not stated): gnomAD exomes below 0.00001; ExAC 0.00002; gnomAD 0.00002; TOPMed 0.00002; ESP Exome Variant Server 0.00008.
gnomAD v4.1: 5 of 1,614,084 alleles (0.00031%); highest among the groups gnomAD compares: African/African-American, 0.0067%; no homozygotes.

Submissions (2):

All of Us Research Program, National Institutes of Health
Classification: Likely benign for Ehlers-Danlos syndrome, type 4. Last evaluated: 2024-07-10. Review status: criteria provided, single submitter. Criteria: ACMG Guidelines, 2015. Collection method: clinical testing. Allele origin: germline. Inheritance: Autosomal dominant inheritance. Observed: 1 variant allele, 1 heterozygote.
Comment: This study involves interpretation of variants in research participants for the purpose of population health screening. Participant phenotype was not available at the time of variant classification. Additional details can be found in publication PMID: 35346344, PMCID: PMC8962531

Labcorp Genetics (formerly Invitae), Labcorp
Classification: Uncertain significance for Ehlers-Danlos syndrome, type 4. Last evaluated: 2023-01-24. Review status: criteria provided, single submitter. Criteria: Invitae Variant Classification Sherloc (09022015). Collection method: clinical testing. Allele origin: germline.
Comment: In summary, the available evidence is currently insufficient to determine the role of this variant in disease. Therefore, it has been classified as a Variant of Uncertain Significance. Advanced modeling of protein sequence and biophysical properties (such as structural, functional, and spatial information, amino acid conservation, physicochemical variation, residue mobility, and thermodynamic stability) performed at Invitae indicates that this missense variant is not expected to disrupt COL3A1 protein function. This variant has not been reported in the literature in individuals affected with COL3A1-related conditions. This variant is present in population databases (rs369796561, gnomAD 0.02%). This sequence change replaces serine, which is neutral and polar, with glycine, which is neutral and non-polar, at codon 1339 of the COL3A1 protein (p.Ser1339Gly).